The following is an entry in ClinVar:

ClinVar aggregate classification (germline): Pathogenic (1 of 4 stars; one submission).

Conditions:
Immunodeficiency 67. Also called: Immunodeficiency due to interleukin-1 receptor-associated kinase-4 deficiency. Identifiers: Orphanet 70592, MedGen C1843256, MONDO:0011888, OMIM 607676.

Submission:

Labcorp Genetics (formerly Invitae), Labcorp
Classification: Pathogenic for Immunodeficiency 67. Last evaluated: 2017-06-28. Review status: criteria provided, single submitter. Criteria: Invitae Variant Classification Sherloc (09022015). Collection method: clinical testing. Allele origin: germline.
Comment: This variant is not present in population databases (ExAC no frequency). This variant has not been reported in the literature in individuals with IRAK4-related disease. This sequence change creates a premature translational stop signal (p.Gly75Alafs*14) in the IRAK4 gene. It is expected to result in an absent or disrupted protein product. Loss-of-function variants in IRAK4 are known to be pathogenic (PMID: 17893200, 21057262). For these reasons, this variant has been classified as Pathogenic.

Literature cited by the submitters: PubMed 17893200; PubMed 21057262.

NM_016123.4(IRAK4):c.224del (p.Gly75fs)

Gene: IRAK4 (interleukin 1 receptor associated kinase 4; plus strand). Cytogenetic location: 12q12.
Variant type: Deletion.
Coding change: c.224del on transcript NM_016123.4 (MANE Select); coding-DNA position 224, one base deleted (G; older notation c.224delG).
Protein change: p.Gly75fs; shifts the reading frame from glycine 75.
Molecular consequence: frameshift variant. On other transcripts: 5 prime UTR variant (4), intron variant (6).
Genome position (GRCh38, 1-based): chr12:43,771,282, G deleted; the last of 4 consecutive G bases (chr12:43,771,279-43,771,282); deleting any one gives the same sequence. VCF-style (leftmost placement, unchanged base first): chr12-43771278-TG-T. GRCh37 (hg19) VCF-style: chr12-44165081-TG-T.
Other names: c.224del, p.Gly75fs (NM_001114182.3, NM_001351345.2); c.-149del (NM_001351339.2, NM_001351340.2, NM_001351341.2 and 1 more transcripts); c.-65-898del (NM_001351338.2, NM_001145256.2, NM_001145257.2 and 1 more transcripts); c.-216-898del (NM_001351343.2, NM_001351344.2); c.224delG (NM_016123.3); short protein forms G75fs.
Identifiers: ClinVar variation 464933 (VCV000464933.7), dbSNP rs1555167566, ClinGen allele CA658658138.